The following is an entry in ClinVar:

ClinVar aggregate classification (germline): Uncertain significance. Review status: criteria provided, multiple submitters, no conflicts (2 of 4 stars). 3 submissions from 3 submitters: Uncertain significance (3). Last evaluated 2025-07-22.

Allele frequency attached by ClinVar (database versions not stated): TOPMed 0.00022; gnomAD 0.00017; ExAC 0.00004; ESP Exome Variant Server 0.00017; 1000 Genomes Project 30x 0.00031; 1000 Genomes Project 0.00020.
gnomAD v4.1: 64 of 1,613,908 alleles (0.004%); highest among the groups gnomAD compares: African/African-American, 0.069%; no homozygotes.

Submissions (3):

Labcorp Genetics (formerly Invitae), Labcorp
Classification: Uncertain significance. Last evaluated: 2025-07-22. Review status: criteria provided, single submitter. Criteria: Invitae Variant Classification Sherloc (09022015). Collection method: clinical testing. Allele origin: germline.
Comment: This sequence change replaces tyrosine, which is neutral and polar, with cysteine, which is neutral and slightly polar, at codon 876 of the DNA2 protein (p.Tyr876Cys). This variant is present in population databases (rs376717498, gnomAD 0.06%). This variant has not been reported in the literature in individuals affected with DNA2-related conditions. ClinVar contains an entry for this variant (Variation ID: 2029952). An algorithm developed to predict the effect of missense changes on protein structure and function outputs the following: PolyPhen-2: "Benign". The cysteine amino acid residue is found in multiple mammalian species, which suggests that this missense change does not adversely affect protein function. In summary, the available evidence is currently insufficient to determine the role of this variant in disease. Therefore, it has been classified as a Variant of Uncertain Significance.

GeneDx
Classification: Uncertain significance. Last evaluated: 2024-10-11. Review status: criteria provided, single submitter. Criteria: GeneDx Variant Classification Process June 2021. Collection method: clinical testing. Allele origin: germline. Affected: yes.
Comment: In silico analysis indicates that this missense variant does not alter protein structure/function; Has not been previously published as pathogenic or benign to our knowledge

Mayo Clinic Laboratories, Mayo Clinic
Classification: Uncertain significance. Last evaluated: 2024-01-12. Review status: criteria provided, single submitter. Criteria: ACMG Guidelines, 2015. Collection method: clinical testing. Allele origin: germline. Observed: 1 variant allele.

NM_001080449.3(DNA2):c.2627A>G (p.Tyr876Cys)

Gene: DNA2 (DNA replication helicase/nuclease 2; minus strand). Cytogenetic location: 10q21.3.
Variant type: single nucleotide variant.
Coding change: c.2627A>G on transcript NM_001080449.3 (MANE Select); coding-DNA position 2627, A replaced by G.
Protein change: p.Tyr876Cys; replaces tyrosine 876 with cysteine.
Molecular consequence: missense variant. On other transcripts: non-coding transcript variant (1).
Genome position (GRCh38, 1-based): chr10:68,422,295, T>C on the plus strand (A>G on the coding strand, the complement: DNA2 is on the minus strand). VCF-style: chr10-68422295-T-C. GRCh37 (hg19) VCF-style: chr10-70182052-T-C.
Other names: p.Tyr876Cys; c.2627A>G (NM_001080449.2); short protein forms Y876C.
Identifiers: ClinVar variation 2029952 (VCV002029952.6), dbSNP rs376717498, ClinGen allele CA5524774.